The following is an entry in ClinVar:

ClinVar aggregate classification (germline): Likely benign (0 of 4 stars; one submission).

Conditions:
STX1A-related disorder. Also called: STX1A-related condition.

Submission:

PreventionGenetics, part of Exact Sciences
Classification: Likely benign for STX1A-related condition. Last evaluated: 2020-01-27. Review status: no assertion criteria provided. Collection method: clinical testing. Allele origin: germline.
Comment: This variant is classified as likely benign based on ACMG/AMP sequence variant interpretation guidelines (Richards et al. 2015 PMID: 25741868, with internal and published modifications).

NM_004603.4(STX1A):c.300C>T (p.Ile100=)

Gene: STX1A (syntaxin 1A; minus strand). Cytogenetic location: 7q11.23.
Variant type: single nucleotide variant.
Coding change: c.300C>T on transcript NM_004603.4 (MANE Select); coding-DNA position 300, C replaced by T.
Protein change: p.Ile100=; no amino-acid change (isoleucine 100 retained).
Molecular consequence: synonymous variant.
Genome position (GRCh38, 1-based): chr7:73,704,407, G>A on the plus strand (C>T on the coding strand, the complement: STX1A is on the minus strand). VCF-style: chr7-73704407-G-A. GRCh37 (hg19) VCF-style: chr7-73118737-G-A.
Other names: c.300C>T, p.Ile100= (NM_001165903.2).
Identifiers: ClinVar variation 3051617 (VCV003051617.2), dbSNP rs2484575530, ClinGen allele CA455874138.